The following is an entry in ClinVar:

NM_000170.3(GLDC):c.2324A>G (p.His775Arg)

Gene: GLDC (glycine decarboxylase; minus strand). Cytogenetic location: 9p24.1.
Variant type: single nucleotide variant.
Coding change: c.2324A>G on transcript NM_000170.3 (MANE Select); coding-DNA position 2324, A replaced by G.
Protein change: p.His775Arg; replaces histidine 775 with arginine.
Molecular consequence: missense variant.
Genome position (GRCh38, 1-based): chr9:6,553,501, T>C on the plus strand (A>G on the coding strand, the complement: GLDC is on the minus strand). VCF-style: chr9-6553501-T-C. GRCh37 (hg19) VCF-style: chr9-6553501-T-C.
Other names: short protein forms H775R.
Identifiers: ClinVar variation 56074 (VCV000056074.13), dbSNP rs386833555, ClinGen allele CA263363.
Genomic context (GRCh38, chr9:6,553,501, plus strand): 5'-CAGGCATCCTCATTCCGCTTTAGTGAAATGACGGGATGATTGGGCAAAAACGGGGCGAGA[T>C]GTTTCTTCCTGTATTTTTTTTAAGTGCAAATTCAGAAAATGTAAACGATTCAGTTTAATC-3'
Protein context (NP_000161.2, residues 765-785): PGMGPIGVKK[His775Arg]LAPFLPNHPV

ClinVar aggregate classification (germline): Pathogenic/Likely pathogenic. Review status: criteria provided, multiple submitters, no conflicts (2 of 4 stars). 6 submissions from 6 submitters: Pathogenic (1); Likely pathogenic (4). 1 of the submissions does not count toward it. Last evaluated 2025-08-29.

Conditions:
GLDC-related disorders.
Glycine encephalopathy. Also called: Nonketotic hyperglycinemia; Non-ketotic hyperglycinemia. Identifiers: Orphanet 407, MedGen C0751748, MONDO:0011612, HP:0008288.

Allele frequency attached by ClinVar (database versions not stated): gnomAD exomes 0.00001; ExAC 0.00002.
gnomAD v4.1: 4 of 1,606,866 alleles (0.00025%); highest among the groups gnomAD compares: Admixed American, 0.0034%; no homozygotes.

Submissions (6):

Women's Health and Genetics/Laboratory Corporation of America, LabCorp
Classification: Likely pathogenic for Glycine encephalopathy. Last evaluated: 2025-08-29. Review status: criteria provided, single submitter. Criteria: LabCorp Variant Classification Summary - May 2015. Collection method: clinical testing. Allele origin: germline.
Comment: Variant summary: GLDC c.2324A>G (p.His775Arg) results in a non-conservative amino acid change in the encoded protein sequence. Algorithms developed to predict the effect of missense changes on protein structure and function all suggest that this variant is likely to be disruptive. The variant allele was found at a frequency of 1.2e-05 in 251382 control chromosomes. c.2324A>G has been observed in individual(s) affected with Glycine Encephalopathy (Non-Ketotic Hyperglycinemia; Conter_2006, Coughlin_2017). These data do not allow any conclusion about variant significance. To our knowledge, no experimental evidence demonstrating an impact on protein function has been reported. However, variants affecting the same amino acid (p.H775P, p.H775Y) have been observed in individuals with Non-Ketotic Hyperglycinemia (HGMD, internal data), suggesting this residue may be important for GLDC function. The following publications have been ascertained in the context of this evaluation (PMID: 16601880, 27362913). ClinVar contains an entry for this variant (Variation ID: 56074). Based on the evidence outlined above, the variant was classified as likely pathogenic.

Labcorp Genetics (formerly Invitae), Labcorp
Classification: Pathogenic for Glycine encephalopathy. Last evaluated: 2025-05-26. Review status: criteria provided, single submitter. Criteria: Invitae Variant Classification Sherloc (09022015). Collection method: clinical testing. Allele origin: germline.
Comment: This sequence change replaces histidine, which is basic and polar, with arginine, which is basic and polar, at codon 775 of the GLDC protein (p.His775Arg). This variant is present in population databases (rs386833555, gnomAD 0.006%). This missense change has been observed in individual(s) with glycine encephalopathy (PMID: 27362913). ClinVar contains an entry for this variant (Variation ID: 56074). Invitae Evidence Modeling of protein sequence and biophysical properties (such as structural, functional, and spatial information, amino acid conservation, physicochemical variation, residue mobility, and thermodynamic stability) indicates that this missense variant is not expected to disrupt GLDC protein function with a negative predictive value of 80%. This variant disrupts the p.His775 amino acid residue in GLDC. Other variant(s) that disrupt this residue have been determined to be pathogenic (PMID: 27362913; internal data). This suggests that this residue is clinically significant, and that variants that disrupt this residue are likely to be disease-causing. For these reasons, this variant has been classified as Pathogenic.

Natera, Inc.
Classification: Likely pathogenic for Non-ketotic hyperglycinemia. Last evaluated: 2025-02-26. Review status: criteria provided, single submitter. Criteria: Natera Variant Classification Schema (03/2026). Collection method: clinical testing. Allele origin: germline.
Comment: The c.2324A>G variant in GLDC is a missense variant predicted to cause substitution of histidine to arginine at amino acid 775. This variant is rare in the general population with a frequency below the threshold expected for the associated phenotype(s). This variant has been observed in one or more individuals affected with the associated recessive disease, as either homozygous or compound heterozygous with a second variant (PMID: 16601880). A different variant at the same position has been determined to be Pathogenic or Likely Pathogenic. Computational prediction algorithms indicate this variant is likely to affect gene or protein function. Given the available evidence, this variant is classified as Likely Pathogenic.

GeneDx
Classification: Likely pathogenic. Last evaluated: 2024-11-21. Review status: criteria provided, single submitter. Criteria: GeneDx Variant Classification Process June 2021. Collection method: clinical testing. Allele origin: germline. Affected: yes.
Comment: Not observed at significant frequency in large population cohorts (gnomAD); In silico analysis supports that this missense variant has a deleterious effect on protein structure/function; Observed with a pathogenic or likely pathogenic variant in a patient with GLDC-related glycine encephalopathy in published literature, but it is not known whether the variants occurred on the same (in cis) or on different (in trans) chromosomes (PMID: 16601880); This variant is associated with the following publications: (PMID: 36817643, 27362913, 16601880)

Blueprint Genetics
Classification: Likely pathogenic for GLDC-related disorders. Last evaluated: 2019-09-06. Review status: criteria provided, single submitter. Criteria: ACMG Guidelines, 2015. Collection method: clinical testing. Allele origin: germline. Affected: yes. Observed: 2 variant alleles.

Juha Muilu Group; Institute for Molecular Medicine Finland (FIMM)
Classification: Likely pathogenic for Non-ketotic hyperglycinemia. Review status: no assertion criteria provided. Collection method: not provided. Allele origin: unknown. Not counted in ClinVar's aggregate classification.
Comment: FinDis database variant: This variant was not found or characterized by our laboratory, data were collected from public sources: see reference
ClinVar note: Converted during submission from probable-pathogenic to Likely pathogenic.

Literature cited by the submitters: PubMed 16601880 (cited by Women's Health and Genetics/Laboratory Corporation of America, LabCorp and Natera, Inc.); PubMed 27362913 (cited by Women's Health and Genetics/Laboratory Corporation of America, LabCorp and Labcorp Genetics (formerly Invitae), Labcorp).